The following is an entry in ClinVar:

ClinVar aggregate classification (germline): Uncertain significance (1 of 4 stars; one submission).

Conditions:
Cystic fibrosis (CF). Also called: MUCOVISCIDOSIS. Identifiers: Orphanet 586, MedGen C0010674, MONDO:0009061, OMIM 219700. Disease mechanism: loss of function.

Submission:

Ambry Genetics
Classification: Uncertain significance for Cystic fibrosis. Last evaluated: 2022-04-04. Review status: criteria provided, single submitter. Criteria: Ambry Variant Classification Scheme 2023. Collection method: clinical testing. Allele origin: germline.
Comment: The p.K643Q variant (also known as c.1927A>C), located in coding exon 14 of the CFTR gene, results from an A to C substitution at nucleotide position 1927. The lysine at codon 643 is replaced by glutamine, an amino acid with similar properties. This amino acid position is conserved. In addition, the in silico prediction for this alteration is inconclusive. Since supporting evidence is limited at this time, the clinical significance of this alteration remains unclear.

NM_000492.4(CFTR):c.1927A>C (p.Lys643Gln)

Gene: CFTR (CF transmembrane conductance regulator; plus strand). Cytogenetic location: 7q31.2.
Variant type: single nucleotide variant.
Coding change: c.1927A>C on transcript NM_000492.4 (MANE Select); coding-DNA position 1927, A replaced by C.
Protein change: p.Lys643Gln; replaces lysine 643 with glutamine.
Molecular consequence: missense variant.
Genome position (GRCh38, 1-based): chr7:117,592,094, A>C. VCF-style: chr7-117592094-A-C. GRCh37 (hg19) VCF-style: chr7-117232148-A-C.
Other names: short protein forms K643Q.
Identifiers: ClinVar variation 1782783 (VCV001782783.2), dbSNP rs2485109490, ClinGen allele CA368978844.